The following is an entry in ClinVar:

NM_001256545.2(MEGF10):c.2467T>A (p.Trp823Arg)

Gene: MEGF10 (multiple EGF like domains 10; plus strand). Cytogenetic location: 5q23.2.
Variant type: single nucleotide variant.
Coding change: c.2467T>A on transcript NM_001256545.2 (MANE Select); coding-DNA position 2467, T replaced by A.
Protein change: p.Trp823Arg; replaces tryptophan 823 with arginine.
Molecular consequence: missense variant.
Genome position (GRCh38, 1-based): chr5:127,443,102, T>A. VCF-style: chr5-127443102-T-A. GRCh37 (hg19) VCF-style: chr5-126778794-T-A.
Other names: c.2467T>A, p.Trp823Arg (NM_032446.3); short protein forms W823R.
Identifiers: ClinVar variation 576725 (VCV000576725.9), dbSNP rs1402417139, ClinGen allele CA360734448.

ClinVar aggregate classification (germline): Uncertain significance (1 of 4 stars; one submission).

Conditions:
MEGF10-related myopathy (CMYO10A). Also called: Congenital myopathy 10A, severe variant. Identifiers: Orphanet 439212, MedGen C3280679, MONDO:0013731, OMIM 614399.

Allele frequency attached by ClinVar (database versions not stated): TOPMed below 0.00001.
gnomAD v4.1: 1 of 1,613,670 alleles (0.000062%); no homozygotes.

Submission:

Labcorp Genetics (formerly Invitae), Labcorp
Classification: Uncertain significance for MEGF10-related myopathy. Last evaluated: 2022-11-22. Review status: criteria provided, single submitter. Criteria: Invitae Variant Classification Sherloc (09022015). Collection method: clinical testing. Allele origin: germline.
Comment: In summary, the available evidence is currently insufficient to determine the role of this variant in disease. Therefore, it has been classified as a Variant of Uncertain Significance. Advanced modeling of protein sequence and biophysical properties (such as structural, functional, and spatial information, amino acid conservation, physicochemical variation, residue mobility, and thermodynamic stability) performed at Invitae indicates that this missense variant is not expected to disrupt MEGF10 protein function. ClinVar contains an entry for this variant (Variation ID: 576725). This variant has not been reported in the literature in individuals affected with MEGF10-related conditions. This variant is not present in population databases (gnomAD no frequency). This sequence change replaces tryptophan, which is neutral and slightly polar, with arginine, which is basic and polar, at codon 823 of the MEGF10 protein (p.Trp823Arg).